The following is an entry in ClinVar:

ClinVar aggregate classification (germline): Uncertain significance (1 of 4 stars; one submission).

Conditions:
Developmental and epileptic encephalopathy, 23 (DEE23). Also called: Epileptic encephalopathy, early infantile, 23. Identifiers: Orphanet 411986, MedGen C4014492, MONDO:0014371, OMIM 615859.

Submission:

Labcorp Genetics (formerly Invitae), Labcorp
Classification: Uncertain significance for Developmental and epileptic encephalopathy, 23. Last evaluated: 2022-08-09. Review status: criteria provided, single submitter. Criteria: Invitae Variant Classification Sherloc (09022015). Collection method: clinical testing. Allele origin: germline.
Comment: This sequence change replaces asparagine, which is neutral and polar, with threonine, which is neutral and polar, at codon 944 of the DOCK7 protein (p.Asn944Thr). This variant is not present in population databases (gnomAD no frequency). This variant has not been reported in the literature in individuals affected with DOCK7-related conditions. ClinVar contains an entry for this variant (Variation ID: 1024263). Algorithms developed to predict the effect of missense changes on protein structure and function are either unavailable or do not agree on the potential impact of this missense change (SIFT: "Deleterious"; PolyPhen-2: "Benign"; Align-GVGD: "Class C0"). In summary, the available evidence is currently insufficient to determine the role of this variant in disease. Therefore, it has been classified as a Variant of Uncertain Significance.

NM_001367561.1(DOCK7):c.2831A>C (p.Asn944Thr)

Gene: DOCK7 (dedicator of cytokinesis 7; minus strand). Cytogenetic location: 1p31.3.
Variant type: single nucleotide variant.
Coding change: c.2831A>C on transcript NM_001367561.1 (MANE Select); coding-DNA position 2831, A replaced by C.
Protein change: p.Asn944Thr; replaces asparagine 944 with threonine.
Molecular consequence: missense variant. On other transcripts: intron variant (3).
Genome position (GRCh38, 1-based): chr1:62,544,975, T>G on the plus strand (A>C on the coding strand, the complement: DOCK7 is on the minus strand). VCF-style: chr1-62544975-T-G. GRCh37 (hg19) VCF-style: chr1-63010646-T-G.
Other names: c.2831A>C, p.Asn944Thr (NM_001271999.2, NM_001330614.2); c.2767-1230A>C (NM_001272001.2, NM_001272000.2, NM_033407.4); short protein forms N944T.
Identifiers: ClinVar variation 1024263 (VCV001024263.6), dbSNP rs1271235101, ClinGen allele CA340615818.